The following is an entry in ClinVar:

NM_003072.5(SMARCA4):c.2388C>T (p.Leu796=)

Gene: SMARCA4 (SWI/SNF related BAF chromatin remodeling complex subunit ATPase 4; plus strand). Cytogenetic location: 19p13.2.
Variant type: single nucleotide variant.
Coding change: c.2388C>T on transcript NM_003072.5 (MANE Select); coding-DNA position 2388, C replaced by T.
Protein change: p.Leu796=; no amino-acid change (leucine 796 retained).
Molecular consequence: synonymous variant. On other transcripts: non-coding transcript variant (1).
Genome position (GRCh38, 1-based): chr19:11,013,062, C>T. VCF-style: chr19-11013062-C-T. GRCh37 (hg19) VCF-style: chr19-11123738-C-T.
Other names: p.Leu796=; c.2388C>T, p.Leu796= (NM_001128844.3, NM_001128845.2, NM_001128846.2 and 5 more transcripts); c.2388C>T (NM_001128849.2).
Identifiers: ClinVar variation 220858 (VCV000220858.47), dbSNP rs28997580, ClinGen allele CA350424.
Genomic context (GRCh38, chr19:11,013,062, plus strand): 5'-CCTGGCCGACGAGATGGGCCTGGGGAAGACCATCCAGACCATCGCGCTCATCACGTACCT[C>T]ATGGAGCACAAACGCATCAATGGGCCCTTCCTCATCATCGTGCCTCTCTCGTGAGTACCC-3'
Protein context (NP_003063.2, residues 786-806): TIQTIALITY[Leu796=]MEHKRINGPF

ClinVar aggregate classification (germline): Benign. Review status: criteria provided, multiple submitters, no conflicts (2 of 4 stars). 15 submissions from 15 submitters: Benign (12). 3 of the submissions do not count toward it. Last evaluated 2026-07-13.

Conditions:
Intellectual disability, autosomal dominant 16 (CSS4). Also called: COFFIN-SIRIS SYNDROME 4. Identifiers: Orphanet 1465, MedGen C3553249, MONDO:0013821, OMIM 614609.
Rhabdoid tumor predisposition syndrome 2 (RTPS2). Identifiers: Orphanet 231108, Orphanet 69077, MedGen C2750074, MONDO:0013224, OMIM 613325.
Otosclerosis 12. Identifiers: MedGen C5935610, MONDO:0968980, OMIM 620792.
Coffin-Siris syndrome. Identifiers: Orphanet 1465, MedGen C0265338, MONDO:0015452.
Hereditary cancer-predisposing syndrome. Also called: Hereditary Cancer Syndrome; Tumor predisposition; Hereditary neoplastic syndrome; Neoplastic Syndromes, Hereditary. Identifiers: Orphanet 140162, MedGen C0027672, MeSH D009386, MONDO:0015356.

Allele frequency attached by ClinVar (database versions not stated): ESP Exome Variant Server 0.00492; gnomAD 0.00668 and 0.00508; gnomAD exomes 0.01061 and 0.00997; 1000 Genomes Project 0.01717; ExAC 0.01160; 1000 Genomes Project 30x 0.01718; TOPMed 0.00503.
gnomAD v4.1: 15,571 of 1,614,174 alleles (0.96%); highest among the groups gnomAD compares: South Asian, 4.6%; 186 homozygotes.

Submissions (15):

Myriad Genetics, Inc.
Classification: Benign for Rhabdoid tumor predisposition syndrome 2. Last evaluated: 2026-07-13. Review status: criteria provided, single submitter. Criteria: Myriad Autosomal Dominant, Autosomal Recessive and X-Linked Classification Criteria (2023). Collection method: clinical testing. Allele origin: unknown.
Comment: This variant is considered benign. This variant is a silent/synonymous amino acid change and it is not expected to impact splicing.

Labcorp Genetics (formerly Invitae), Labcorp
Classification: Benign for Rhabdoid tumor predisposition syndrome 2. Last evaluated: 2026-02-04. Review status: criteria provided, single submitter. Criteria: Invitae Variant Classification Sherloc (09022015). Collection method: clinical testing. Allele origin: germline.

ARUP Laboratories, Molecular Genetics and Genomics, ARUP Laboratories
Classification: Benign. Last evaluated: 2025-07-24. Review status: criteria provided, single submitter. Criteria: ARUP Molecular Germline Variant Investigation Process 2024. Collection method: clinical testing. Allele origin: germline.

GeneKor MSA
Classification: Benign for Hereditary cancer-predisposing syndrome. Last evaluated: 2025-07-10. Review status: criteria provided, single submitter. Criteria: ACMG Guidelines, 2015. Collection method: clinical testing. Allele origin: germline.

Quest Diagnostics Nichols Institute San Juan Capistrano
Classification: Benign. Last evaluated: 2025-04-10. Review status: criteria provided, single submitter. Criteria: Quest Diagnostics criteria. Collection method: clinical testing. Allele origin: unknown.

Mayo Clinic Laboratories, Mayo Clinic
Classification: Benign. Last evaluated: 2025-02-13. Review status: criteria provided, single submitter. Criteria: ACMG Guidelines, 2015. Collection method: clinical testing. Allele origin: germline. Observed: 3 variant alleles.
Comment: BS1, BP4, BP7

Department of Pathology and Laboratory Medicine, Sinai Health System
Classification: Benign for Rhabdoid tumor predisposition syndrome 2; Intellectual disability, autosomal dominant 16; Otosclerosis 12. Last evaluated: 2023-02-10. Review status: criteria provided, single submitter. Criteria: ACMG Guidelines, 2015. Collection method: clinical testing. Allele origin: germline. Affected: no.

Genome-Nilou Lab
Classification: Benign for Intellectual disability, autosomal dominant 16. Last evaluated: 2021-07-15. Review status: criteria provided, single submitter. Criteria: ACMG Guidelines, 2015. Collection method: clinical testing. Allele origin: germline. Affected: no.

Illumina Laboratory Services, Illumina
Classification: Benign for Coffin-Siris syndrome. Last evaluated: 2018-01-13. Review status: criteria provided, single submitter. Criteria: ICSL Variant Classification Criteria 13 December 2019. Collection method: clinical testing. Allele origin: germline.
Comment: This variant was observed in the ICSL laboratory as part of a predisposition screen in an ostensibly healthy population. It had not been previously curated by ICSL or reported in the Human Gene Mutation Database (HGMD: prior to June 1st, 2018), and was therefore a candidate for classification through an automated scoring system. Utilizing variant allele frequency, disease prevalence and penetrance estimates, and inheritance mode, an automated score was calculated to assess if this variant is too frequent to cause the disease. Based on the score and internal cut-off values, a variant classified as benign is not then subjected to further curation. The score for this variant resulted in a classification of benign for this disease.

Ambry Genetics
Classification: Benign for Hereditary cancer-predisposing syndrome. Last evaluated: 2016-11-18. Review status: criteria provided, single submitter. Criteria: Ambry Variant Classification Scheme 2023. Collection method: clinical testing. Allele origin: germline.

GeneDx
Classification: Benign. Last evaluated: 2016-02-12. Review status: criteria provided, single submitter. Criteria: GeneDx Variant Classification (06012015). Collection method: clinical testing. Allele origin: germline. Affected: yes.
Comment: This variant is considered likely benign or benign based on one or more of the following criteria: it is a conservative change, it occurs at a poorly conserved position in the protein, it is predicted to be benign by multiple in silico algorithms, and/or has population frequency not consistent with disease.

Breakthrough Genomics
Classification: Benign. Review status: criteria provided, single submitter. Criteria: ACMG Guidelines, 2015. Collection method: not provided. Allele origin: germline. Inheritance: Autosomal dominant inheritance. Affected: yes.

Diagnostic Laboratory, Department of Genetics, University Medical Center Groningen
Classification: Likely benign. Review status: no assertion criteria provided. Collection method: clinical testing. Allele origin: germline. Affected: yes. Study: VKGL Data-share Consensus. Not counted in ClinVar's aggregate classification.

Genome Diagnostics Laboratory, Amsterdam University Medical Center
Classification: Benign. Review status: no assertion criteria provided. Collection method: clinical testing. Allele origin: germline. Affected: yes. Study: VKGL Data-share Consensus. Not counted in ClinVar's aggregate classification.

Laboratory of Diagnostic Genome Analysis, Leiden University Medical Center (LUMC)
Classification: Benign. Review status: no assertion criteria provided. Collection method: clinical testing. Allele origin: germline. Affected: yes. Study: VKGL Data-share Consensus. Not counted in ClinVar's aggregate classification.

Literature cited by the submitters: PubMed 38750555 (cited by Quest Diagnostics Nichols Institute San Juan Capistrano); PubMed 31874108 (cited by Quest Diagnostics Nichols Institute San Juan Capistrano); PubMed 25372392 (cited by Quest Diagnostics Nichols Institute San Juan Capistrano).